The following is an entry in ClinVar:

NM_006922.4(SCN3A):c.604T>A (p.Tyr202Asn)

Gene: SCN3A (sodium voltage-gated channel alpha subunit 3; minus strand). Cytogenetic location: 2q24.3.
Variant type: single nucleotide variant.
Coding change: c.604T>A on transcript NM_006922.4 (MANE Select); coding-DNA position 604, T replaced by A.
Protein change: p.Tyr202Asn; replaces tyrosine 202 with asparagine.
Molecular consequence: missense variant. On other transcripts: intron variant (1).
Genome position (GRCh38, 1-based): chr2:165,163,708, A>T on the plus strand (T>A on the coding strand, the complement: SCN3A is on the minus strand). VCF-style: chr2-165163708-A-T. GRCh37 (hg19) VCF-style: chr2-166020218-A-T.
Other names: c.604T>A (NM_006922.3); c.604T>A, p.Tyr202Asn (NM_001081676.2); c.694+94T>A (NM_001081677.2); short protein forms Y202N.
Identifiers: ClinVar variation 1446022 (VCV001446022.10), dbSNP rs202162785, ClinGen allele CA349239659.
Genomic context (GRCh38, chr2:165,163,708, plus strand): 5'-GGAGAACTCTGAATGTTCTCAACGCTGAGACATTGCCCAGGTCCACAAACTCTGTCACAT[A>T]TCTGTAATAGGGGAGTTCACACACAAACACAATAACACACAAGAAAAGTTGGAGATATAA-3'
Protein context (NP_008853.3, residues 192-212): WLDFSVIVMA[Tyr202Asn]VTEFVDLGNV

ClinVar aggregate classification (germline): Uncertain significance. Review status: criteria provided, multiple submitters, no conflicts (2 of 4 stars). 3 submissions from 3 submitters: Uncertain significance (3). Last evaluated 2025-04-18.

Conditions:
Inborn genetic diseases. Identifiers: MedGen C0950123, MeSH D030342.

gnomAD v4.1: 3 of 1,614,072 alleles (0.00019%); highest among the groups gnomAD compares: Non-Finnish European, 0.00025%; no homozygotes.

Submissions (3):

Ambry Genetics
Classification: Uncertain significance for Inborn genetic diseases. Last evaluated: 2025-04-18. Review status: criteria provided, single submitter. Criteria: Ambry Variant Classification Scheme 2023. Collection method: clinical testing. Allele origin: germline.

Blueprint Genetics
Classification: Uncertain significance. Last evaluated: 2022-09-05. Review status: criteria provided, single submitter. Criteria: ACMG Guidelines, 2015. Collection method: clinical testing. Allele origin: germline.

Labcorp Genetics (formerly Invitae), Labcorp
Classification: Uncertain significance. Last evaluated: 2021-04-23. Review status: criteria provided, single submitter. Criteria: Invitae Variant Classification Sherloc (09022015). Collection method: clinical testing. Allele origin: germline.
Comment: This sequence change replaces tyrosine with asparagine at codon 202 of the SCN3A protein (p.Tyr202Asn). The tyrosine residue is highly conserved and there is a large physicochemical difference between tyrosine and asparagine. This variant is not present in population databases (ExAC no frequency). This variant has not been reported in the literature in individuals with SCN3A-related conditions. Algorithms developed to predict the effect of missense changes on protein structure and function are either unavailable or do not agree on the potential impact of this missense change (SIFT: "Tolerated"; PolyPhen-2: "Probably Damaging"; Align-GVGD: "Class C0"). In summary, the available evidence is currently insufficient to determine the role of this variant in disease. Therefore, it has been classified as a Variant of Uncertain Significance.